The following is an entry in ClinVar:

NM_001035.3(RYR2):c.685A>G (p.Ile229Val)

Gene: RYR2 (ryanodine receptor 2; plus strand). Cytogenetic location: 1q43.
Variant type: single nucleotide variant.
Coding change: c.685A>G on transcript NM_001035.3 (MANE Select); coding-DNA position 685, A replaced by G.
Protein change: p.Ile229Val; replaces isoleucine 229 with valine.
Molecular consequence: missense variant.
Genome position (GRCh38, 1-based): chr1:237,388,095, A>G. VCF-style: chr1-237388095-A-G. GRCh37 (hg19) VCF-style: chr1-237551395-A-G.
Other names: short protein forms I229V.
Identifiers: ClinVar variation 3669790 (VCV003669790.2).

ClinVar aggregate classification (germline): Uncertain significance (1 of 4 stars; one submission).

Conditions:
Catecholaminergic polymorphic ventricular tachycardia 1. Also called: VENTRICULAR TACHYCARDIA, CATECHOLAMINERGIC POLYMORPHIC, 1, WITH OR WITHOUT ATRIAL DYSFUNCTION AND/OR DILATED CARDIOMYOPATHY; VENTRICULAR TACHYCARDIA, STRESS-INDUCED POLYMORPHIC 1; RYR2-Related Catecholaminergic Polymorphic Ventricular Tachycardia. Identifiers: Orphanet 3286, MedGen C1631597, MONDO:0011484, OMIM 604772.

Submission:

Labcorp Genetics (formerly Invitae), Labcorp
Classification: Uncertain significance for Catecholaminergic polymorphic ventricular tachycardia 1. Last evaluated: 2024-12-18. Review status: criteria provided, single submitter. Criteria: Invitae Variant Classification Sherloc (09022015). Collection method: clinical testing. Allele origin: germline.
Comment: This sequence change replaces isoleucine, which is neutral and non-polar, with valine, which is neutral and non-polar, at codon 229 of the RYR2 protein (p.Ile229Val). This variant is present in population databases (rs368653489, gnomAD 0.0009%). This variant has not been reported in the literature in individuals affected with RYR2-related conditions. Invitae Evidence Modeling of protein sequence and biophysical properties (such as structural, functional, and spatial information, amino acid conservation, physicochemical variation, residue mobility, and thermodynamic stability) indicates that this missense variant is not expected to disrupt RYR2 protein function with a negative predictive value of 95%. In summary, the available evidence is currently insufficient to determine the role of this variant in disease. Therefore, it has been classified as a Variant of Uncertain Significance.